The following is an entry in ClinVar:

ClinVar aggregate classification (germline): Likely benign (1 of 4 stars; one submission).

Submission:

CeGaT Center for Human Genetics Tuebingen
Classification: Likely benign. Last evaluated: 2023-01-01. Review status: criteria provided, single submitter. Criteria: CeGaT Center For Human Genetics Tuebingen Variant Classification Criteria Version 2. Collection method: clinical testing. Allele origin: germline. Affected: yes. Observed: 1 variant allele.
Comment: EIF4G3: BS2

NM_001391906.1(EIF4G3):c.-361GGC[7]

Gene: EIF4G3 (eukaryotic translation initiation factor 4 gamma 3; minus strand). Cytogenetic location: 1p36.12.
Variant type: Microsatellite.
Coding change: c.-361GGC[7] on transcript NM_001391906.1 (MANE Select); seven copies in a row of the 3-base unit GGC starting at c.-361; the reference has 11 copies in a row; four copies, 12 bases deleted.
Molecular consequence: 5 prime UTR variant. On other transcripts: intron variant (5).
Genome position (GRCh38, 1-based): chr1:21,176,232-21,176,243, GCCGCCGCCGCC deleted on the plus strand (GGCGGCGGCGGC on the coding strand, the reverse complement: EIF4G3 is on the minus strand); deleting any 12 consecutive bases within chr1:21,176,232-21,176,266 gives the same sequence; the position shown is the placement nearest the transcript's 3' end. VCF-style (leftmost placement, unchanged base first): chr1-21176231-TGCCGCCGCCGCC-T. GRCh37 (hg19) VCF-style: chr1-21502724-TGCCGCCGCCGCC-T.
Other names: c.-363_-361GCG[7] (NM_001198801.3, NM_001198802.3); c.-361GGC[7] (NM_001391892.1, NM_001391895.1, NM_001391896.1 and 6 more transcripts); c.-631GGC[7] (NM_001391897.1); c.-196+458GGC[7] (NM_001391899.1, NM_001391893.1); c.-272+458GGC[7] (NM_001391903.1); c.-333+458GGC[7] (NM_001391894.1, NM_001391905.1).
Identifiers: ClinVar variation 2638444 (VCV002638444.22), dbSNP rs34197724, ClinGen allele CA664824.